The following is an entry in ClinVar:

ClinVar aggregate classification (germline): Uncertain significance (1 of 4 stars; one submission).

Conditions:
Hereditary cancer-predisposing syndrome. Also called: Neoplastic Syndromes, Hereditary; Tumor predisposition; Hereditary Cancer Syndrome; Hereditary neoplastic syndrome. Identifiers: Orphanet 140162, MedGen C0027672, MeSH D009386, MONDO:0015356.

Submission:

Ambry Genetics
Classification: Uncertain significance for Hereditary cancer-predisposing syndrome. Last evaluated: 2024-10-08. Review status: criteria provided, single submitter. Criteria: Ambry Variant Classification Scheme 2023. Collection method: clinical testing. Allele origin: germline.
Comment: The p.T240P variant (also known as c.718A>C), located in coding exon 6 of the APC gene, results from an A to C substitution at nucleotide position 718. The threonine at codon 240 is replaced by proline, an amino acid with highly similar properties. This amino acid position is conserved. In addition, in silico predictors for this gene do not accurately predict pathogenicity. Based on the available evidence, the clinical significance of this variant remains unclear.

NM_000038.6(APC):c.718A>C (p.Thr240Pro)

Gene: APC (APC regulator of Wnt signaling pathway; plus strand). Cytogenetic location: 5q22.2.
Variant type: single nucleotide variant.
Coding change: c.718A>C on transcript NM_000038.6 (MANE Select); coding-DNA position 718, A replaced by C.
Protein change: p.Thr240Pro; replaces threonine 240 with proline.
Molecular consequence: missense variant. On other transcripts: 5 prime UTR variant (4), non-coding transcript variant (2), intron variant (5).
Genome position (GRCh38, 1-based): chr5:112,792,518, A>C. VCF-style: chr5-112792518-A-C. GRCh37 (hg19) VCF-style: chr5-112128215-A-C.
Other names: c.718A>C, p.Thr240Pro (NM_001127510.3, NM_001354895.2, NM_001354896.2 and 12 more transcripts); c.748A>C, p.Thr250Pro (NM_001354897.2, NM_001354902.2, NM_001407446.1); c.643A>C, p.Thr215Pro (NM_001354898.2, NM_001354904.2, NM_001407451.1); c.541A>C, p.Thr181Pro (NM_001354900.2, NM_001354901.2, NM_001354905.2 and 1 more transcripts); c.-318A>C (NM_001354906.2, NM_001407470.1, NM_001407471.1 and 1 more transcripts); c.646-8761A>C (NM_001407452.1, NM_001407469.1, NM_001354899.2 and 1 more transcripts); c.676-8761A>C (NM_001127511.3); short protein forms T240P, T250P, T215P, T181P.
Identifiers: ClinVar variation 3411552 (VCV003411552.1).